The following is an entry in ClinVar:

ClinVar aggregate classification (germline): Likely benign. Review status: criteria provided, multiple submitters, no conflicts (2 of 4 stars). 3 submissions from 3 submitters: Likely benign (3). Last evaluated 2026-01-12.

Conditions:
5-Oxoprolinase deficiency (OPLAHD). Also called: 5-OXOPROLINURIA DUE TO 5-OXOPROLINASE DEFICIENCY. Identifiers: Orphanet 33572, MedGen C0268525, MONDO:0009825, OMIM 260005, HP:0040142.
OPLAH-related disorder. Also called: OPLAH-related condition.

Allele frequency attached by ClinVar (database versions not stated): ESP Exome Variant Server 0.00024; ExAC 0.00026; 1000 Genomes Project 0.00100; 1000 Genomes Project 30x 0.00141.
gnomAD v4.1: 191 of 1,611,548 alleles (0.012%); highest among the groups gnomAD compares: African/African-American, 0.11%; no homozygotes.

Submissions (3):

Labcorp Genetics (formerly Invitae), Labcorp
Classification: Likely benign for 5-Oxoprolinase deficiency. Last evaluated: 2026-01-12. Review status: criteria provided, single submitter. Criteria: Invitae Variant Classification Sherloc (09022015). Collection method: clinical testing. Allele origin: germline.

PreventionGenetics, part of Exact Sciences
Classification: Likely benign for OPLAH-related condition. Last evaluated: 2025-08-05. Review status: criteria provided, single submitter. Criteria: ACMG Guidelines, 2015. Collection method: clinical testing. Allele origin: germline.
Comment: This variant is classified as likely benign based on ACMG/AMP sequence variant interpretation guidelines (Richards et al. 2015 PMID: 25741868, with internal and published modifications).

Blueprint Genetics
Classification: Likely benign. Last evaluated: 2024-09-11. Review status: criteria provided, single submitter. Criteria: ACMG Guidelines, 2015. Collection method: clinical testing. Allele origin: germline.

NM_017570.5(OPLAH):c.1431C>T (p.Gly477=)

Gene: OPLAH (5-oxoprolinase, ATP-hydrolysing; minus strand). Cytogenetic location: 8q24.3.
Variant type: single nucleotide variant.
Coding change: c.1431C>T on transcript NM_017570.5 (MANE Select); coding-DNA position 1431, C replaced by T.
Protein change: p.Gly477=; no amino-acid change (glycine 477 retained).
Molecular consequence: synonymous variant.
Genome position (GRCh38, 1-based): chr8:144,057,312, G>A on the plus strand (C>T on the coding strand, the complement: OPLAH is on the minus strand). VCF-style: chr8-144057312-G-A. GRCh37 (hg19) VCF-style: chr8-145112215-G-A.
Other names: c.1431C>T (NM_017570.4).
Identifiers: ClinVar variation 2119050 (VCV002119050.6), dbSNP rs370128920, ClinGen allele CA4931852.